The following is an entry in ClinVar:

NM_198578.4(LRRK2):c.5093C>T (p.Pro1698Leu)

Gene: LRRK2 (leucine rich repeat kinase 2; plus strand). Cytogenetic location: 12q12.
Variant type: single nucleotide variant.
Coding change: c.5093C>T on transcript NM_198578.4 (MANE Select); coding-DNA position 5093, C replaced by T.
Protein change: p.Pro1698Leu; replaces proline 1698 with leucine.
Molecular consequence: missense variant.
Genome position (GRCh38, 1-based): chr12:40,321,111, C>T. VCF-style: chr12-40321111-C-T. GRCh37 (hg19) VCF-style: chr12-40714913-C-T.
Other names: short protein forms P1698L.
Identifiers: ClinVar variation 1745287 (VCV001745287.3), dbSNP rs770866659, ClinGen allele CA6514364.
Genomic context (GRCh38, chr12:40,321,111, plus strand): 5'-CTGTGATAGAGCTTCCCCATTGTGAGAACTCTGAAATTATCATCCGACTATATGAAATGC[C>T]TTATTTTCCAATGGGATTTTGGTCAAGATTAATCAATCGATTACTTGAGATTTCACCTTA-3'
Protein context (NP_940980.4, residues 1688-1708): SEIIIRLYEM[Pro1698Leu]YFPMGFWSRL

ClinVar aggregate classification (germline): Uncertain significance. Review status: criteria provided, multiple submitters, no conflicts (2 of 4 stars). 2 submissions from 2 submitters: Uncertain significance (2). Last evaluated 2025-07-03.

Conditions:
Inborn genetic diseases. Identifiers: MedGen C0950123, MeSH D030342.
Autosomal dominant Parkinson disease 8. Also called: Parkinson disease 8, susceptibility to; LRRK2-Related Parkinson Disease; Parkinson disease 8. Identifiers: Orphanet 411602, MedGen C1846862, MONDO:0011764, OMIM 607060.

Allele frequency attached by ClinVar (database versions not stated): TOPMed below 0.00001; ExAC 0.00001; gnomAD 0.00001; gnomAD exomes 0.00001.
gnomAD v4.1: 10 of 1,612,714 alleles (0.00062%); highest among the groups gnomAD compares: Non-Finnish European, 0.00085%; no homozygotes.

Submissions (2):

Labcorp Genetics (formerly Invitae), Labcorp
Classification: Uncertain significance for Autosomal dominant Parkinson disease 8. Last evaluated: 2025-07-03. Review status: criteria provided, single submitter. Criteria: Invitae Variant Classification Sherloc (09022015). Collection method: clinical testing. Allele origin: germline.
Comment: This sequence change replaces proline, which is neutral and non-polar, with leucine, which is neutral and non-polar, at codon 1698 of the LRRK2 protein (p.Pro1698Leu). This variant is present in population databases (rs770866659, gnomAD 0.002%). This variant has not been reported in the literature in individuals affected with LRRK2-related conditions. ClinVar contains an entry for this variant (Variation ID: 1745287). Invitae Evidence Modeling of protein sequence and biophysical properties (such as structural, functional, and spatial information, amino acid conservation, physicochemical variation, residue mobility, and thermodynamic stability) has been performed for this missense variant. However, the output from this modeling did not meet the statistical confidence thresholds required to predict the impact of this variant on LRRK2 protein function. In summary, the available evidence is currently insufficient to determine the role of this variant in disease. Therefore, it has been classified as a Variant of Uncertain Significance.

Ambry Genetics
Classification: Uncertain significance for Inborn genetic diseases. Last evaluated: 2022-04-05. Review status: criteria provided, single submitter. Criteria: Ambry Variant Classification Scheme 2023. Collection method: clinical testing. Allele origin: germline.
Comment: The p.P1698L variant (also known as c.5093C>T), located in coding exon 35 of the LRRK2 gene, results from a C to T substitution at nucleotide position 5093. The proline at codon 1698 is replaced by leucine, an amino acid with similar properties. This amino acid position is conserved. In addition, this alteration is predicted to be deleterious by in silico analysis. Since supporting evidence is limited at this time, the clinical significance of this alteration remains unclear.